The following is an entry in ClinVar:

NM_000138.5(FBN1):c.6331T>G (p.Cys2111Gly)

Gene: FBN1 (fibrillin 1; minus strand). Cytogenetic location: 15q21.1.
Variant type: single nucleotide variant.
Coding change: c.6331T>G on transcript NM_000138.5 (MANE Select); coding-DNA position 6331, T replaced by G.
Protein change: p.Cys2111Gly; replaces cysteine 2111 with glycine.
Molecular consequence: missense variant.
Genome position (GRCh38, 1-based): chr15:48,437,370, A>C on the plus strand (T>G on the coding strand, the complement: FBN1 is on the minus strand). VCF-style: chr15-48437370-A-C. GRCh37 (hg19) VCF-style: chr15-48729567-A-C.
Other names: short protein forms C2111G.
Identifiers: ClinVar variation 1070334 (VCV001070334.10), dbSNP rs363815, ClinGen allele CA392336834.

ClinVar aggregate classification (germline): Pathogenic/Likely pathogenic. Review status: criteria provided, multiple submitters, no conflicts (2 of 4 stars). 2 submissions from 2 submitters: Pathogenic (1); Likely pathogenic (1). Last evaluated 2025-08-25.

Conditions:
Familial thoracic aortic aneurysm and aortic dissection (TAAD). Also called: Thoracic aortic aneurysms and dissections. Identifiers: Orphanet 91387, MedGen C4707243, MONDO:0019625.
Marfan syndrome (MFS). Also called: Marfan syndrome type 1; Marfan's syndrome; Marfan syndrome, classic; MARFAN SYNDROME, TYPE I; FBN1-Related Marfan Syndrome. Identifiers: Orphanet 284963, Orphanet 558, MedGen C0024796, MONDO:0007947, OMIM 154700.

Submissions (2):

Clinical Genetics Laboratory, Region Ostergotland
Classification: Likely pathogenic for Marfan syndrome. Last evaluated: 2025-08-25. Review status: criteria provided, single submitter. Criteria: ACMG Guidelines, 2015. Collection method: clinical testing. Allele origin: germline. Affected: yes. Observed: 1 heterozygote.
Comment: This variant (NM_000138.5:c.6331T>G, p.(Cys2111Gly)) has been assessed according to the ClinGen FBN1 Expert Panel Specifications to the ACMG/AMP Variant Interpretation Guidelines Version 1. The variant is not found in population database (no frequency gnomAD v4.1.0). Other missense changes in this position determined to be pathogenic has been seen before (p.Cys2111Tyr and p.Cys2111Arg). The following ACMG/AMP criteria were applied in classifying this variant: PM2, PM1, PP3, PM5

Labcorp Genetics (formerly Invitae), Labcorp
Classification: Pathogenic for Marfan syndrome; Familial thoracic aortic aneurysm and aortic dissection. Last evaluated: 2020-08-16. Review status: criteria provided, single submitter. Criteria: Invitae Variant Classification Sherloc (09022015). Collection method: clinical testing. Allele origin: germline.
Comment: This variant affects a cysteine residue in the EGF-like, TGFBP or hybrid motif domains of FBN1. Cysteine residues are believed to be involved in intramolecular disulfide bridges and have been shown to be important for FBN1 protein structure (PMID: 16905551, 19349279). In addition, missense substitutions affecting cysteine residues within these domains are significantly overrepresented among patients with Marfan syndrome (PMID: 16571647, 17701892). For these reasons, this variant has been classified as Pathogenic. Algorithms developed to predict the effect of sequence changes on RNA splicing suggest that this variant may create or strengthen a splice site, but this prediction has not been confirmed by published transcriptional studies. Advanced modeling of protein sequence and biophysical properties (such as structural, functional, and spatial information, amino acid conservation, physicochemical variation, residue mobility, and thermodynamic stability) performed at Invitae indicates that this missense variant is expected to disrupt FBN1 protein function. This variant has been observed in individual(s) with Marfan syndrome (PMID: 31279624, Invitae). This variant is not present in population databases (ExAC no frequency). This sequence change replaces cysteine with glycine at codon 2111 of the FBN1 protein (p.Cys2111Gly). The cysteine residue is highly conserved and there is a large physicochemical difference between cysteine and glycine.

Literature cited by the submitters: PubMed 16905551 (cited by Labcorp Genetics (formerly Invitae), Labcorp); PubMed 19349279 (cited by Labcorp Genetics (formerly Invitae), Labcorp); PubMed 16571647 (cited by Labcorp Genetics (formerly Invitae), Labcorp); PubMed 17701892 (cited by Labcorp Genetics (formerly Invitae), Labcorp); PubMed 31279624 (cited by Labcorp Genetics (formerly Invitae), Labcorp).